The following is an entry in ClinVar:

NM_001379500.1(COL18A1):c.337G>T (p.Asp113Tyr)

Gene: COL18A1 (collagen type XVIII alpha 1 chain; plus strand). Cytogenetic location: 21q22.3.
Variant type: single nucleotide variant.
Coding change: c.337G>T on transcript NM_001379500.1 (MANE Select); coding-DNA position 337, G replaced by T.
Protein change: p.Asp113Tyr; replaces aspartic acid 113 with tyrosine.
Molecular consequence: missense variant.
Genome position (GRCh38, 1-based): chr21:45,468,472, G>T. VCF-style: chr21-45468472-G-T. GRCh37 (hg19) VCF-style: chr21-46888386-G-T.
Other names: NM_130445.2:c.337G>T; c.877G>T (NM_030582.3); c.877G>T, p.Asp293Tyr (NM_030582.4); c.1582G>T, p.Asp528Tyr (NM_130444.3); short protein forms D293Y, D113Y, D528Y.
Identifiers: ClinVar variation 1943790 (VCV001943790.7), dbSNP rs2517558429, ClinGen allele CA410511835.
Genomic context (GRCh38, chr21:45,468,472, plus strand): 5'-TCACTGCTGTTCCACATCCGGCCAGCCACAGAGGGCCCAGGGGTGCTGTTCGCCATCACG[G>T]ACTCGGCGCAGGCCATGGTCTTGCTGGGCGTGAAGCTCTCTGGGGTGCAGGACGGGCACC-3'
Protein context (NP_001366429.1, residues 103-123): EGPGVLFAIT[Asp113Tyr]SAQAMVLLGV

ClinVar aggregate classification (germline): Uncertain significance. Review status: criteria provided, multiple submitters, no conflicts (2 of 4 stars). 3 submissions from 3 submitters: Uncertain significance (3). Last evaluated 2025-12-09.

Conditions:
Inborn genetic diseases. Identifiers: MedGen C0950123, MeSH D030342.
COL18A1-related disorder. Also called: COL18A1-related disorders; COL18A1-related condition.

Allele frequency attached by ClinVar (database versions not stated): gnomAD exomes 0.00001.
gnomAD v4.1: 4 of 1,614,078 alleles (0.00025%); highest among the groups gnomAD compares: Non-Finnish European, 0.00034%; no homozygotes.

Submissions (3):

Ambry Genetics
Classification: Uncertain significance for Inborn genetic diseases. Last evaluated: 2025-12-09. Review status: criteria provided, single submitter. Criteria: Ambry Variant Classification Scheme 2023. Collection method: clinical testing. Allele origin: germline.

PreventionGenetics, part of Exact Sciences
Classification: Uncertain significance for COL18A1-related condition. Last evaluated: 2025-07-03. Review status: criteria provided, single submitter. Criteria: ACMG Guidelines, 2015. Collection method: clinical testing. Allele origin: germline.
Comment: The COL18A1 c.877G>T variant is predicted to result in the amino acid substitution p.Asp293Tyr. To our knowledge, this variant has not been reported in the literature or in a large population database (gnomAD), indicating this variant is rare. At this time, the clinical significance of this variant is uncertain due to the absence of conclusive functional and genetic evidence.

Labcorp Genetics (formerly Invitae), Labcorp
Classification: Uncertain significance. Last evaluated: 2022-04-23. Review status: criteria provided, single submitter. Criteria: Invitae Variant Classification Sherloc (09022015). Collection method: clinical testing. Allele origin: germline.
Comment: This sequence change replaces aspartic acid, which is acidic and polar, with tyrosine, which is neutral and polar, at codon 113 of the COL18A1 protein (p.Asp113Tyr). This variant is not present in population databases (gnomAD no frequency). This variant has not been reported in the literature in individuals affected with COL18A1-related conditions. Experimental studies and prediction algorithms are not available or were not evaluated, and the functional significance of this variant is currently unknown. In summary, the available evidence is currently insufficient to determine the role of this variant in disease. Therefore, it has been classified as a Variant of Uncertain Significance.